The following is an entry in ClinVar:

NM_021815.5(SLC5A7):c.103G>A (p.Ala35Thr)

Gene: SLC5A7 (solute carrier family 5 member 7; plus strand). Cytogenetic location: 2q12.3.
Variant type: single nucleotide variant.
Coding change: c.103G>A on transcript NM_021815.5 (MANE Select); coding-DNA position 103, G replaced by A.
Protein change: p.Ala35Thr; replaces alanine 35 with threonine.
Molecular consequence: missense variant. On other transcripts: 5 prime UTR variant (1), intron variant (1).
Genome position (GRCh38, 1-based): chr2:107,988,258, G>A. VCF-style: chr2-107988258-G-A. GRCh37 (hg19) VCF-style: chr2-108604714-G-A.
Other names: p.Ala35Thr; c.103G>A, p.Ala35Thr (NM_001305005.3); c.-602G>A (NM_001305007.3); c.-138+1495G>A (NM_001305006.3); short protein forms A35T.
Identifiers: ClinVar variation 956971 (VCV000956971.8), dbSNP rs1225811300, ClinGen allele CA348019846.

ClinVar aggregate classification (germline): Uncertain significance. Review status: criteria provided, multiple submitters, no conflicts (2 of 4 stars). 2 submissions from 2 submitters: Uncertain significance (2). Last evaluated 2023-08-30.

Conditions:
Neuronopathy, distal hereditary motor, type 7A. Also called: Neuronopathy, distal hereditary motor, type viia; HARPER-YOUNG MYOPATHY; HMN VIIA; SPINAL MUSCULAR ATROPHY, DISTAL, WITH VOCAL CORD PARALYSIS; NEURONOPATHY, DISTAL HEREDITARY MOTOR, HARDING TYPE VIIA; NEUROPATHY, DISTAL HEREDITARY MOTOR, HARDING TYPE VIIA. Identifiers: Orphanet 139589, MedGen C1834703, MONDO:0008024, OMIM 158580.
Congenital myasthenic syndrome 20. Also called: Myasthenic syndrome, congenital, 20, presynaptic. Identifiers: MedGen C4310694, MONDO:0014939, OMIM 617143.

Allele frequency attached by ClinVar (database versions not stated): gnomAD exomes 0.00001.
gnomAD v4.1: 21 of 1,614,146 alleles (0.0013%); highest among the groups gnomAD compares: Admixed American, 0.0033%; no homozygotes.

Submissions (2):

Mayo Clinic Laboratories, Mayo Clinic
Classification: Uncertain significance. Last evaluated: 2023-08-30. Review status: criteria provided, single submitter. Criteria: ACMG Guidelines, 2015. Collection method: clinical testing. Allele origin: germline. Observed: 1 variant allele.
Comment: BP4

Labcorp Genetics (formerly Invitae), Labcorp
Classification: Uncertain significance for Neuronopathy, distal hereditary motor, type 7A; Congenital myasthenic syndrome 20. Last evaluated: 2020-07-09. Review status: criteria provided, single submitter. Criteria: Invitae Variant Classification Sherloc (09022015). Collection method: clinical testing. Allele origin: germline.
Comment: This sequence change replaces alanine with threonine at codon 35 of the SLC5A7 protein (p.Ala35Thr). The alanine residue is weakly conserved and there is a small physicochemical difference between alanine and threonine. In summary, the available evidence is currently insufficient to determine the role of this variant in disease. Therefore, it has been classified as a Variant of Uncertain Significance. Algorithms developed to predict the effect of missense changes on protein structure and function output the following: SIFT: "Tolerated"; PolyPhen-2: "Benign"; Align-GVGD: "Class C0". The threonine amino acid residue is found in multiple mammalian species, suggesting that this missense change does not adversely affect protein function. These predictions have not been confirmed by published functional studies and their clinical significance is uncertain. This variant has not been reported in the literature in individuals with SLC5A7-related conditions. This variant is not present in population databases (ExAC no frequency).